The following is an entry in ClinVar:

NM_001145418.2(TTC28):c.6597G>A (p.Ala2199=)

Genes: TTC28 (tetratricopeptide repeat domain 28; minus strand), TTC28-AS1 (TTC28 antisense RNA 1; plus strand). Cytogenetic location: 22q12.1.
Variant type: single nucleotide variant.
Coding change: c.6597G>A on transcript NM_001145418.2 (MANE Select); coding-DNA position 6597, G replaced by A.
Protein change: p.Ala2199=; no amino-acid change (alanine 2199 retained).
Molecular consequence: synonymous variant.
Genome position (GRCh38, 1-based): chr22:27,983,070, C>T on the plus strand (G>A on the coding strand, the complement: TTC28 is on the minus strand). VCF-style: chr22-27983070-C-T. GRCh37 (hg19) VCF-style: chr22-28379058-C-T.
Other names: c.6573G>A, p.Ala2191= (NM_001393403.1); c.6243G>A, p.Ala2081= (NM_001393404.1); c.6219G>A, p.Ala2073= (NM_001393405.1).
Identifiers: ClinVar variation 785920 (VCV000785920.7), dbSNP rs5762431, ClinGen allele CA10167017.
Genomic context (GRCh38, chr22:27,983,070, plus strand): 5'-GAGAACAGGCCTGCTGAACGCACTGGTTTCTGACGCTCTGAAGACAGCAGTGCTGCTGGG[C>T]GCCTGAACGCCGTCTTCAGGGTTATTACTCTTGCTCACCTGGCCGCCGCTCCTCTGAAGA-3'
Protein context (NP_001138890.1, residues 2189-2209): KSNNPEDGVQ[Ala2199=]PSSTAVFRAS

ClinVar aggregate classification (germline): Benign. Review status: criteria provided, multiple submitters, no conflicts (2 of 4 stars). 3 submissions from 3 submitters: Benign (2). 1 of the submissions does not count toward it. Last evaluated 2019-12-31.

Conditions:
TTC28-related disorder. Also called: TTC28-related condition.

Allele frequency attached by ClinVar (database versions not stated): gnomAD 0.00162 and 0.00218; 1000 Genomes Project 30x 0.00671; ESP Exome Variant Server 0.00022; gnomAD exomes 0.00635 and 0.00179; ExAC 0.00143; TOPMed 0.00365; 1000 Genomes Project 0.00779.
gnomAD v4.1: 2,830 of 1,551,658 alleles (0.18%); highest among the groups gnomAD compares: East Asian, 3.7%; 47 homozygotes.

Submissions (3):

Labcorp Genetics (formerly Invitae), Labcorp
Classification: Benign. Last evaluated: 2019-12-31. Review status: criteria provided, single submitter. Criteria: Invitae Variant Classification Sherloc (09022015). Collection method: clinical testing. Allele origin: germline.

Breakthrough Genomics
Classification: Benign. Review status: criteria provided, single submitter. Criteria: ACMG Guidelines, 2015. Collection method: not provided. Allele origin: germline. Inheritance: Unknown mechanism. Affected: yes.

PreventionGenetics, part of Exact Sciences
Classification: Benign for TTC28-related condition. Last evaluated: 2019-08-12. Review status: no assertion criteria provided. Collection method: clinical testing. Allele origin: germline. Not counted in ClinVar's aggregate classification.
Comment: This variant is classified as benign based on ACMG/AMP sequence variant interpretation guidelines (Richards et al. 2015 PMID: 25741868, with internal and published modifications).